The following is an entry in ClinVar:

ClinVar aggregate classification (germline): Uncertain significance (1 of 4 stars; one submission).

Submission:

Greenwood Genetic Center Diagnostic Laboratories, Greenwood Genetic Center
Classification: Uncertain significance. Last evaluated: 2025-06-06. Review status: criteria provided, single submitter. Criteria: ACMG Guidelines, 2015. Collection method: clinical testing. Allele origin: germline. Affected: yes.
Comment: PM2

NM_003622.4(PPFIBP1):c.906+1184_906+1185del

Gene: PPFIBP1 (PPFIB scaffold protein 1; plus strand). Cytogenetic location: 12p11.22.
Variant type: Deletion.
Coding change: c.906+1184_906+1185del on transcript NM_003622.4 (MANE Select); bases 1184 to 1185 of the intron after coding-DNA position 906, 2 bases deleted (AA; older notation c.906+1184_906+1185delAA).
Molecular consequence: intron variant.
Genome position (GRCh38, 1-based): chr12:27,662,129-27,662,130, AA deleted; deleting any 2 consecutive bases within chr12:27,662,128-27,662,130 gives the same sequence; the c. name uses the placement nearest the transcript's 3' end. VCF-style (leftmost placement, unchanged base first): chr12-27662127-CAA-C. GRCh37 (hg19) VCF-style: chr12-27815060-CAA-C.
Other names: c.966+1184_966+1185del (NM_177444.3); c.873+1184_873+1185del (NM_001198916.2); c.507+1184_507+1185del (NM_001198915.2).
Identifiers: ClinVar variation 4538288 (VCV004538288.1).